The following is an entry in ClinVar:

NM_007294.4(BRCA1):c.30A>G (p.Glu10=)

Gene: BRCA1 (BRCA1 DNA repair associated; minus strand). Cytogenetic location: 17q21.31.
Variant type: single nucleotide variant.
Coding change: c.30A>G on transcript NM_007294.4 (MANE Select); coding-DNA position 30, A replaced by G.
Protein change: p.Glu10=; no amino-acid change (glutamic acid 10 retained).
Molecular consequence: synonymous variant. On other transcripts: 5 prime UTR variant (136), intron variant (36).
Genome position (GRCh38, 1-based): chr17:43,124,067, T>C on the plus strand (A>G on the coding strand, the complement: BRCA1 is on the minus strand). VCF-style: chr17-43124067-T-C. GRCh37 (hg19) VCF-style: chr17-41276084-T-C.
Other names: c.-159A>G (NM_001407571.1, NM_001407853.1, NM_001407879.1 and 46 more transcripts); c.30A>G, p.Glu10= (NM_001407581.1, NM_001407582.1, NM_001407583.1 and 193 more transcripts); c.-228A>G (NM_001407694.1, NM_001407724.1, NM_001407727.1 and 11 more transcripts); c.-232A>G (NM_001407695.1, NM_001408465.1); c.-373A>G (NM_001407696.1); c.-257A>G (NM_001407697.1, NM_001407846.1, NM_001407920.1); c.-58A>G (NM_001407698.1, NM_001407732.1, NM_001407736.1 and 23 more transcripts); c.-231A>G (NM_001407725.1, NM_001407730.1, NM_001407734.1 and 22 more transcripts); and 23 more.
Identifiers: ClinVar variation 865018 (VCV000865018.3), dbSNP rs2055737161, ClinGen allele CA500131477.
Genomic context (GRCh38, chr17:43,124,067, plus strand): 5'-GCTGACTTACCAGATGGGACACTCTAAGATTTTCTGCATAGCATTAATGACATTTTGTAC[T>C]TCTTCAACGCGAAGAGCAGATAAATCCATTTCTTTCTGTTCCAATGAACTTTAACACATT-3'
Protein context (NP_009225.1, residues 1-20): MDLSALRVE[Glu10=]VQNVINAMQK

Conditions:
Breast-ovarian cancer, familial, susceptibility to, 1 (BROVCA1). Also called: BRCA1 Hereditary Breast and Ovarian Cancer; OVARIAN CANCER, SUSCEPTIBILITY TO. Identifiers: Orphanet 145, MedGen C2676676, MONDO:0011450, OMIM 604370. Disease mechanism: loss of function.

gnomAD v4.1: 2 of 1,613,908 alleles (0.00012%); highest among the groups gnomAD compares: South Asian, 0.0022%; no homozygotes.

Submission:

Brotman Baty Institute, University of Washington
No classification provided (evidence only). Condition: Breast-ovarian cancer, familial 1. Review status: no classification provided. Collection method: in vitro. Allele origin: not applicable. Functional consequence: functionally_normal.
ClinVar note: "not provided" was previously submitted as the classification for the variant. However, the classification appeared to be based only on an observation of functional data so it was converted to no classification on 2025-07-30.